The following is an entry in ClinVar:

NM_014263.4(YME1L1):c.1981G>A (p.Glu661Lys)

Gene: YME1L1 (YME1 like 1 ATPase; minus strand). Cytogenetic location: 10p12.1.
Variant type: single nucleotide variant.
Coding change: c.1981G>A on transcript NM_014263.4 (MANE Select); coding-DNA position 1981, G replaced by A.
Protein change: p.Glu661Lys; replaces glutamic acid 661 with lysine.
Molecular consequence: missense variant.
Genome position (GRCh38, 1-based): chr10:27,114,547, C>T on the plus strand (G>A on the coding strand, the complement: YME1L1 is on the minus strand). VCF-style: chr10-27114547-C-T. GRCh37 (hg19) VCF-style: chr10-27403476-C-T.
Other names: c.1882G>A, p.Glu628Lys (NM_001253866.2); c.2152G>A, p.Glu718Lys (NM_139312.3); short protein forms E661K, E718K, E628K.
Identifiers: ClinVar variation 3685559 (VCV003685559.2).

ClinVar aggregate classification (germline): Uncertain significance (1 of 4 stars; one submission).

gnomAD v4.1: 5 of 1,613,732 alleles (0.00031%); highest among the groups gnomAD compares: Non-Finnish European, 0.00042%; no homozygotes.

Submission:

Labcorp Genetics (formerly Invitae), Labcorp
Classification: Uncertain significance. Last evaluated: 2024-04-11. Review status: criteria provided, single submitter. Criteria: Invitae Variant Classification Sherloc (09022015). Collection method: clinical testing. Allele origin: germline.
Comment: This sequence change replaces glutamic acid, which is acidic and polar, with lysine, which is basic and polar, at codon 718 of the YME1L1 protein (p.Glu718Lys). This variant is not present in population databases (gnomAD no frequency). This variant has not been reported in the literature in individuals affected with YME1L1-related conditions. An algorithm developed to predict the effect of missense changes on protein structure and function (PolyPhen-2) suggests that this variant is likely to be disruptive. In summary, the available evidence is currently insufficient to determine the role of this variant in disease. Therefore, it has been classified as a Variant of Uncertain Significance.